The following is an entry in ClinVar:

NM_015474.4(SAMHD1):c.226G>A (p.Ala76Thr)

Gene: SAMHD1 (SAM and HD domain containing deoxynucleoside triphosphate triphosphohydrolase 1; minus strand). Cytogenetic location: 20q11.23.
Variant type: single nucleotide variant.
Coding change: c.226G>A on transcript NM_015474.4 (MANE Select); coding-DNA position 226, G replaced by A.
Protein change: p.Ala76Thr; replaces alanine 76 with threonine.
Molecular consequence: missense variant.
Genome position (GRCh38, 1-based): chr20:36,946,787, C>T on the plus strand (G>A on the coding strand, the complement: SAMHD1 is on the minus strand). VCF-style: chr20-36946787-C-T. GRCh37 (hg19) VCF-style: chr20-35575190-C-T.
Other names: c.226G>A, p.Ala76Thr (NM_001363729.2, NM_001363733.2); short protein forms A76T.
Identifiers: ClinVar variation 1397964 (VCV001397964.5), dbSNP rs141599277, ClinGen allele CA9844792.

ClinVar aggregate classification (germline): Uncertain significance (1 of 4 stars; one submission).

Conditions:
Aicardi-Goutieres syndrome 5. Identifiers: Orphanet 51, MedGen C2749659, MONDO:0013059, OMIM 612952.

Submission:

Labcorp Genetics (formerly Invitae), Labcorp
Classification: Uncertain significance for Aicardi-Goutieres syndrome 5. Last evaluated: 2021-08-24. Review status: criteria provided, single submitter. Criteria: Invitae Variant Classification Sherloc (09022015). Collection method: clinical testing. Allele origin: germline.
Comment: This sequence change replaces alanine with threonine at codon 76 of the SAMHD1 protein (p.Ala76Thr). The alanine residue is weakly conserved and there is a small physicochemical difference between alanine and threonine. This variant is present in population databases (rs141599277, ExAC 0.01%). This variant has not been reported in the literature in individuals affected with SAMHD1-related conditions. Algorithms developed to predict the effect of missense changes on protein structure and function output the following: SIFT: "Tolerated"; PolyPhen-2: "Benign"; Align-GVGD: "Class C0". The threonine amino acid residue is found in multiple mammalian species, which suggests that this missense change does not adversely affect protein function. In summary, the available evidence is currently insufficient to determine the role of this variant in disease. Therefore, it has been classified as a Variant of Uncertain Significance.